The following is an entry in ClinVar:

ClinVar aggregate classification (germline): Uncertain significance (1 of 4 stars; one submission).

Conditions:
EP300-related disorder. Also called: EP300-related condition; EP300-related disorders.

gnomAD v4.1: 1 of 1,608,236 alleles (0.000062%); highest among the groups gnomAD compares: Admixed American, 0.0017%; no homozygotes.

Submission:

PreventionGenetics, part of Exact Sciences
Classification: Uncertain significance for EP300-related condition. Last evaluated: 2026-07-29. Review status: criteria provided, single submitter. Criteria: ACMG Guidelines, 2015. Collection method: clinical testing. Allele origin: germline.
Comment: The EP300 c.2225C>G variant is predicted to result in the amino acid substitution p.Pro742Arg. To our knowledge, this variant has not been reported in the literature or in a large population database (gnomAD), indicating this variant is rare. At this time, the clinical significance of this variant is uncertain due to the absence of conclusive functional and genetic evidence.

NM_001429.4(EP300):c.2225C>G (p.Pro742Arg)

Gene: EP300 (EP300 lysine acetyltransferase; plus strand). Cytogenetic location: 22q13.2.
Variant type: single nucleotide variant.
Coding change: c.2225C>G on transcript NM_001429.4 (MANE Select); coding-DNA position 2225, C replaced by G.
Protein change: p.Pro742Arg; replaces proline 742 with arginine.
Molecular consequence: missense variant.
Genome position (GRCh38, 1-based): chr22:41,147,930, C>G. VCF-style: chr22-41147930-C-G. GRCh37 (hg19) VCF-style: chr22-41543934-C-G.
Other names: c.2147C>G, p.Pro716Arg (NM_001362843.2); short protein forms P716R, P742R.
Identifiers: ClinVar variation 4983870 (VCV004983870.1).